The following is an entry in ClinVar:

NM_020964.3(EPG5):c.7427C>T (p.Ser2476Leu)

Gene: EPG5 (ectopic P-granules 5 autophagy tethering factor; minus strand). Cytogenetic location: 18q12.3.
Variant type: single nucleotide variant.
Coding change: c.7427C>T on transcript NM_020964.3 (MANE Select); coding-DNA position 7427, C replaced by T.
Protein change: p.Ser2476Leu; replaces serine 2476 with leucine.
Molecular consequence: missense variant.
Genome position (GRCh38, 1-based): chr18:45,857,868, G>A on the plus strand (C>T on the coding strand, the complement: EPG5 is on the minus strand). VCF-style: chr18-45857868-G-A. GRCh37 (hg19) VCF-style: chr18-43437833-G-A.
Other names: c.7427C>T, p.Ser2476Leu (NM_001410858.1); c.7424C>T, p.Ser2475Leu (NM_001410859.1); short protein forms S2475L, S2476L.
Identifiers: ClinVar variation 1810659 (VCV001810659.1), dbSNP rs373566983, ClinGen allele CA8948010.

ClinVar aggregate classification (germline): Uncertain significance (1 of 4 stars; one submission).

Allele frequency attached by ClinVar (database versions not stated): gnomAD exomes below 0.00001; ExAC 0.00001; gnomAD 0.00001; TOPMed 0.00002; ESP Exome Variant Server 0.00008.
gnomAD v4.1: 4 of 1,611,964 alleles (0.00025%); highest among the groups gnomAD compares: African/African-American, 0.0013%; no homozygotes.

Submission:

GeneDx
Classification: Uncertain significance. Last evaluated: 2022-07-07. Review status: criteria provided, single submitter. Criteria: GeneDx Variant Classification Process June 2021. Collection method: clinical testing. Allele origin: germline. Affected: yes.
Comment: Not observed at significant frequency in large population cohorts (gnomAD); In silico analysis supports that this missense variant has a deleterious effect on protein structure/function; Has not been previously published as pathogenic or benign to our knowledge